The following is an entry in ClinVar:

ClinVar aggregate classification (germline): Uncertain significance. Review status: criteria provided, multiple submitters, no conflicts (2 of 4 stars). 2 submissions from 2 submitters: Uncertain significance (2). Last evaluated 2026-04-15.

Allele frequency attached by ClinVar (database versions not stated): gnomAD exomes below 0.00001; TOPMed 0.00001; ExAC 0.00002.
gnomAD v4.1: 5 of 1,611,222 alleles (0.00031%); highest among the groups gnomAD compares: Admixed American, 0.005%; no homozygotes.

Submissions (2):

Women's Health and Genetics/Laboratory Corporation of America, LabCorp
Classification: Uncertain significance. Last evaluated: 2026-04-15. Review status: criteria provided, single submitter. Criteria: LabCorp Variant Classification Summary - May 2015. Collection method: clinical testing. Allele origin: germline.
Comment: Variant summary: MME c.1526A>G (p.Glu509Gly) results in a non-conservative amino acid change in the encoded protein sequence. Algorithms developed to predict the effect of missense changes on protein structure and function are either unavailable or do not agree on the potential impact of this missense change. The variant allele was found at a frequency of 1.6e-05 in 250872 control chromosomes. The available data on variant occurrences in the general population are insufficient to allow any conclusion about variant significance. To our knowledge, no occurrence of c.1526A>G in individuals affected with MME-related conditions and no experimental evidence demonstrating its impact on protein function have been reported. ClinVar contains an entry for this variant (Variation ID: 2433764). Based on the evidence outlined above, the variant was classified as uncertain significance.

Revvity Omics, Revvity
Classification: Uncertain significance. Last evaluated: 2020-07-17. Review status: criteria provided, single submitter. Criteria: ACMG Guidelines, 2015. Collection method: clinical testing. Allele origin: germline.

NM_007289.4(MME):c.1526A>G (p.Glu509Gly)

Gene: MME (membrane metalloendopeptidase; plus strand). Cytogenetic location: 3q25.2.
Variant type: single nucleotide variant.
Coding change: c.1526A>G on transcript NM_007289.4 (MANE Select); coding-DNA position 1526, A replaced by G.
Protein change: p.Glu509Gly; replaces glutamic acid 509 with glycine.
Molecular consequence: missense variant.
Genome position (GRCh38, 1-based): chr3:155,148,578, A>G. VCF-style: chr3-155148578-A-G. GRCh37 (hg19) VCF-style: chr3-154866367-A-G.
Other names: c.1526A>G, p.Glu509Gly (NM_000902.5, NM_001354642.2, NM_001354643.1 and 2 more transcripts); short protein forms E509G.
Identifiers: ClinVar variation 2433764 (VCV002433764.4), dbSNP rs750081545, ClinGen allele CA2675552.